The following is an entry in ClinVar:

ClinVar aggregate classification (germline): Uncertain significance (1 of 4 stars; one submission).

Submission:

ARUP Laboratories, Molecular Genetics and Genomics, ARUP Laboratories
Classification: Uncertain significance. Last evaluated: 2024-11-06. Review status: criteria provided, single submitter. Criteria: ARUP Molecular Germline Variant Investigation Process 2024. Collection method: clinical testing. Allele origin: germline.
Comment: The HBA2 c.224A>G; Another variant at this codon in the homologous HBA1 gene (Hb Chapel Hill, HBA1: c.224A>G; p.Asp75Gly, HbVar ID: 110) has been reported in the literature as an unstable variant with slightly increased oxygen affinity, and has been found in the heterozygous state in individuals with both mild, persistent erythrocytosis and mild anemia (see link to HbVar and references therein). The HBA2 c.224A>G; p.Asp75Gly variant is reported in ClinVar (Variation ID: 811237) but is absent from the Genome Aggregation Database (v2.1.1), indicating it is not a common polymorphism. Computational analyses predict that this variant is deleterious (REVEL: 0.848). Due to conflicting information, the clinical significance of this variant is uncertain at this time. References: Link to HbVar database: Tang B et al. Hb Chapel Hill or Alpha2 74(EF3) Asp>Gly, a mildly unstable variant found in a Chinese family. Hematology. 2023 Dec;28(1):2187154. PMID: 36939273.

NM_000517.6(HBA2):c.224A>G (p.Asp75Gly)

Genes: HBA2 (hemoglobin subunit alpha 2; plus strand), LOC106804612 (hemoglobin subunit alpha 2 recombination region; plus strand). Cytogenetic location: 16p13.3.
Variant type: single nucleotide variant.
Coding change: c.224A>G on transcript NM_000517.6 (MANE Select); coding-DNA position 224, A replaced by G.
Protein change: p.Asp75Gly; replaces aspartic acid 75 with glycine.
Molecular consequence: missense variant.
Genome position (GRCh38, 1-based): chr16:173,253, A>G. VCF-style: chr16-173253-A-G. GRCh37 (hg19) VCF-style: chr16-223252-A-G.
Other names: short protein forms D75G.
Identifiers: ClinVar variation 811237 (VCV000811237.9), dbSNP rs281864856, ClinGen allele CA393993640.
Genomic context (GRCh38, chr16:173,253, plus strand): 5'-AGGTTAAGGGCCACGGCAAGAAGGTGGCCGACGCGCTGACCAACGCCGTGGCGCACGTGG[A>G]CGACATGCCCAACGCGCTGTCCGCCCTGAGCGACCTGCACGCGCACAAGCTTCGGGTGGA-3'
Protein context (NP_000508.1, residues 65-85): DALTNAVAHV[Asp75Gly]DMPNALSALS